The following is an entry in ClinVar:

ClinVar aggregate classification (germline): Uncertain significance. Review status: criteria provided, multiple submitters, no conflicts (2 of 4 stars). 3 submissions from 3 submitters: Uncertain significance (3). Last evaluated 2025-05-20.

Conditions:
Tuberous sclerosis 1 (TSC1). Identifiers: Orphanet 805, MedGen C1854465, MONDO:0008612, OMIM 191100.

Submissions (3):

GeneDx
Classification: Uncertain significance. Last evaluated: 2025-05-20. Review status: criteria provided, single submitter. Criteria: GeneDx Variant Classification Process June 2021. Collection method: clinical testing. Allele origin: germline.
Comment: Not observed at significant frequency in large population cohorts (gnomAD); Has not been previously published as pathogenic or benign to our knowledge; In silico analysis is inconclusive as to whether the variant alters gene splicing. In the absence of RNA/functional studies, the actual effect of this sequence change is unknown.

Quest Diagnostics Nichols Institute San Juan Capistrano
Classification: Uncertain significance. Last evaluated: 2023-12-04. Review status: criteria provided, single submitter. Criteria: Quest Diagnostics criteria. Collection method: clinical testing. Allele origin: unknown.

Labcorp Genetics (formerly Invitae), Labcorp
Classification: Uncertain significance for Tuberous sclerosis 1. Last evaluated: 2023-10-04. Review status: criteria provided, single submitter. Criteria: Invitae Variant Classification Sherloc (09022015). Collection method: clinical testing. Allele origin: germline.
Comment: This sequence change affects codon 236 of the TSC1 mRNA. It is a 'silent' change, meaning that it does not change the encoded amino acid sequence of the TSC1 protein. This variant is not present in population databases (gnomAD no frequency). This variant has not been reported in the literature in individuals affected with TSC1-related conditions. ClinVar contains an entry for this variant (Variation ID: 1699788). Algorithms developed to predict the effect of sequence changes on RNA splicing suggest that this variant may disrupt the consensus splice site. In summary, the available evidence is currently insufficient to determine the role of this variant in disease. Therefore, it has been classified as a Variant of Uncertain Significance.

NM_000368.5(TSC1):c.708A>G (p.Gly236=)

Gene: TSC1 (TSC complex subunit 1; minus strand). Cytogenetic location: 9q34.13.
Variant type: single nucleotide variant.
Coding change: c.708A>G on transcript NM_000368.5 (MANE Select); coding-DNA position 708, A replaced by G.
Protein change: p.Gly236=; no amino-acid change (glycine 236 retained).
Molecular consequence: synonymous variant. On other transcripts: 5 prime UTR variant (1), non-coding transcript variant (5), intron variant (4).
Genome position (GRCh38, 1-based): chr9:132,921,392, T>C on the plus strand (A>G on the coding strand, the complement: TSC1 is on the minus strand). VCF-style: chr9-132921392-T-C. GRCh37 (hg19) VCF-style: chr9-135796779-T-C.
Other names: c.708A>G, p.Gly236= (NM_001162426.2, NM_001406592.1, NM_001406593.1 and 16 more transcripts); c.555A>G, p.Gly185= (NM_001162427.2, NM_001406610.1, NM_001406611.1 and 2 more transcripts); c.345A>G, p.Gly115= (NM_001362177.2, NM_001406614.1, NM_001406615.1 and 10 more transcripts); c.-386A>G (NM_001406630.1); c.-215+427A>G (NM_001406627.1, NM_001406628.1, NM_001406626.1); c.-357+427A>G (NM_001406629.1).
Identifiers: ClinVar variation 1699788 (VCV001699788.7), dbSNP rs2132135313, ClinGen allele CA467593734.